The following is an entry in ClinVar:

ClinVar aggregate classification (germline): Uncertain significance (1 of 4 stars; one submission).

Submission:

Labcorp Genetics (formerly Invitae), Labcorp
Classification: Uncertain significance. Last evaluated: 2022-08-23. Review status: criteria provided, single submitter. Criteria: Invitae Variant Classification Sherloc (09022015). Collection method: clinical testing. Allele origin: germline.
Comment: In summary, the available evidence is currently insufficient to determine the role of this variant in disease. Therefore, it has been classified as a Variant of Uncertain Significance. Variants that disrupt the consensus splice site are a relatively common cause of aberrant splicing (PMID: 17576681, 9536098). Algorithms developed to predict the effect of sequence changes on RNA splicing suggest that this variant may disrupt the consensus splice site. ClinVar contains an entry for this variant (Variation ID: 1515491). This variant has not been reported in the literature in individuals affected with ARMC9-related conditions. This variant is not present in population databases (gnomAD no frequency). This sequence change falls in intron 5 of the ARMC9 gene. It does not directly change the encoded amino acid sequence of the ARMC9 protein. It affects a nucleotide within the consensus splice site.

Literature cited by the submitters: PubMed 17576681; PubMed 9536098.

NM_001352754.2(ARMC9):c.597+3A>T

Gene: ARMC9 (armadillo repeat containing 9; plus strand). Cytogenetic location: 2q37.1.
Variant type: single nucleotide variant.
Coding change: c.597+3A>T on transcript NM_001352754.2 (MANE Select); 3 bases into the intron after coding-DNA position 597, A replaced by T.
Molecular consequence: intron variant.
Genome position (GRCh38, 1-based): chr2:231,222,823, A>T. VCF-style: chr2-231222823-A-T. GRCh37 (hg19) VCF-style: chr2-232087536-A-T.
Other names: c.597+3A>T (NM_001271466.4, NM_001352755.2, NM_001352756.2 and 5 more transcripts).
Identifiers: ClinVar variation 1515491 (VCV001515491.6), dbSNP rs2125334440, ClinGen allele CA2573135429.